The following is an entry in ClinVar:

ClinVar aggregate classification (germline): Uncertain significance. Review status: criteria provided, multiple submitters, no conflicts (2 of 4 stars). 2 submissions from 2 submitters: Uncertain significance (2). Last evaluated 2022-08-21.

Conditions:
Leigh syndrome (NULS). Also called: Leigh Disease; Subacute necrotizing encephalopathy; Necrotizing encephalopathy infantile subacute of Leigh; LEIGH SYNDROME, NUCLEAR; Leigh's necrotizing encephalopathy; Leigh's disease. Identifiers: Orphanet 506, MedGen C2931891, MONDO:0009723, OMIM 256000.

Allele frequency attached by ClinVar (database versions not stated): gnomAD exomes below 0.00001.
gnomAD v4.1: 3 of 1,613,588 alleles (0.00019%); highest among the groups gnomAD compares: Non-Finnish European, 0.00025%; no homozygotes.

Submissions (2):

Labcorp Genetics (formerly Invitae), Labcorp
Classification: Uncertain significance for Leigh syndrome. Last evaluated: 2022-08-21. Review status: criteria provided, single submitter. Criteria: Invitae Variant Classification Sherloc (09022015). Collection method: clinical testing. Allele origin: germline.
Comment: This sequence change replaces lysine, which is basic and polar, with arginine, which is basic and polar, at codon 87 of the SURF1 protein (p.Lys87Arg). This variant is not present in population databases (gnomAD no frequency). This variant has not been reported in the literature in individuals affected with SURF1-related conditions. Algorithms developed to predict the effect of missense changes on protein structure and function (SIFT, PolyPhen-2, Align-GVGD) all suggest that this variant is likely to be disruptive. In summary, the available evidence is currently insufficient to determine the role of this variant in disease. Therefore, it has been classified as a Variant of Uncertain Significance.

Blueprint Genetics
Classification: Uncertain significance. Last evaluated: 2022-05-30. Review status: criteria provided, single submitter. Criteria: ACMG Guidelines, 2015. Collection method: clinical testing. Allele origin: germline.

NM_003172.4(SURF1):c.260A>G (p.Lys87Arg)

Gene: SURF1 (SURF1 cytochrome c oxidase assembly factor; minus strand). Cytogenetic location: 9q34.2.
Variant type: single nucleotide variant.
Coding change: c.260A>G on transcript NM_003172.4 (MANE Select); coding-DNA position 260, A replaced by G.
Protein change: p.Lys87Arg; replaces lysine 87 with arginine.
Molecular consequence: missense variant. On other transcripts: 5 prime UTR variant (1).
Genome position (GRCh38, 1-based): chr9:133,354,722, T>C on the plus strand (A>G on the coding strand, the complement: SURF1 is on the minus strand). VCF-style: chr9-133354722-T-C. GRCh37 (hg19) VCF-style: chr9-136221577-T-C.
Other names: c.-68A>G (NM_001280787.1); short protein forms K87R.
Identifiers: ClinVar variation 2152376 (VCV002152376.2), dbSNP rs2490622694, ClinGen allele CA375694663.